The following is an entry in ClinVar:

NM_000518.5(HBB):c.219_220delinsAT (p.Ser73_Asp74delinsArgTyr)

Genes: HBB (hemoglobin subunit beta; minus strand), LOC106099062 (HBB recombination region; plus strand), LOC107133510 (origin of replication at HBB; plus strand). Cytogenetic location: 11p15.4.
Variant type: Indel.
Coding change: c.219_220delinsAT on transcript NM_000518.5 (MANE Select); coding-DNA positions 219 to 220, TG replaced by AT.
Protein change: p.Ser73_Asp74delinsArgTyr.
Molecular consequence: missense variant.
Genome position (GRCh38, 1-based): chr11:5,226,672-5,226,673, CA replaced by AT on the plus strand (TG replaced by AT on the coding strand, the reverse complement: HBB is on the minus strand). VCF-style: chr11-5226672-CA-AT. GRCh37 (hg19) VCF-style: chr11-5247902-CA-AT.
Identifiers: ClinVar variation 4280310 (VCV004280310.1).
Genomic context (GRCh38, chr11:5,226,672, plus strand): 5'-AGTGCAGCTCACTCAGTGTGGCAAAGGTGCCCTTGAGGTTGTCCAGGTGAGCCAGGCCAT[CA>AT]CTAAAGGCACCGAGCACTTTCTTGCCATGAGCCTTCACCTTAGGGTTGCCCATAACAGCA-3'

ClinVar aggregate classification (germline): Pathogenic (0 of 4 stars; one submission).

Conditions:
Beta-thalassemia HBB/LCRB. Identifiers: MedGen CN322236, MONDO:0013517, OMIM 613985.

Submission:

Precision Medicine Lab Center, Yangjiang People's Hospital
Classification: Pathogenic for Beta-thalassemia HBB/LCRB. Last evaluated: 2024-03-04. Review status: no assertion criteria provided. Collection method: clinical testing. Allele origin: germline. Affected: yes. Observed: 1 variant allele.
Comment: The HBB:c.[219T>A;220G>T] mutation involves a T-to-A substitution at position 219 and a G-to-T substitution at position 220 in the coding region of the β-globin gene, resulting in amino acid changes from Ser to Arg and Asp to Tyr, respectively. This is a pathogenic mutation associated with a clinical phenotype of moderate anemia.